The following is an entry in ClinVar:

ClinVar aggregate classification (germline): Likely pathogenic. Review status: criteria provided, multiple submitters, no conflicts (2 of 4 stars). 2 submissions from 2 submitters: Likely pathogenic (2). Last evaluated 2024-12-01.

Conditions:
Focal segmental glomerulosclerosis 7 (FSGS7). Identifiers: Orphanet 656, MedGen C4014925, MONDO:0014451, OMIM 616002.
PAX2-Related Disorder. Also called: PAX2-related disorders. Identifiers: MedGen CN381309.

Submissions (2):

Department of Pediatrics, Seoul National University Bundang Hospital
Classification: Likely pathogenic for Focal segmental glomerulosclerosis 7. Last evaluated: 2024-12-01. Review status: criteria provided, single submitter. Criteria: ACMG Guidelines, 2015. Collection method: clinical testing. Allele origin: unknown. Inheritance: Autosomal dominant inheritance. Observed: 1 variant allele.
Comment: The p.Gly25Glu is a missense variant and is regarded as likely pathogenic (PM1, PM2, PM5, PP3, according to ACMG criteria). It has been reported in the following publication (PMID: 32604935).

Blueprint Genetics
Classification: Likely pathogenic for PAX2-related disorders. Last evaluated: 2022-04-29. Review status: criteria provided, single submitter. Criteria: ACMG Guidelines, 2015. Collection method: clinical testing. Allele origin: germline. Affected: yes. Observed: 2 variant alleles.

Literature cited by the submitters: PubMed 32604935 (cited by Department of Pediatrics, Seoul National University Bundang Hospital).

NM_000278.5(PAX2):c.74G>A (p.Gly25Glu)

Gene: PAX2 (paired box 2; plus strand). Cytogenetic location: 10q24.31.
Variant type: single nucleotide variant.
Coding change: c.74G>A on transcript NM_000278.5 (MANE Select); coding-DNA position 74, G replaced by A.
Protein change: p.Gly25Glu; replaces glycine 25 with glutamic acid.
Molecular consequence: missense variant.
Genome position (GRCh38, 1-based): chr10:100,749,776, G>A. VCF-style: chr10-100749776-G-A. GRCh37 (hg19) VCF-style: chr10-102509533-G-A.
Other names: c.167G>A, p.Gly56Glu (NM_001304569.2); c.74G>A, p.Gly25Glu (NM_003987.5, NM_003988.5, NM_003989.5 and 1 more transcripts); short protein forms G25E, G56E.
Identifiers: ClinVar variation 3602568 (VCV003602568.3).